The following is an entry in ClinVar:

NM_004104.5(FASN):c.1855G>A (p.Ala619Thr)

Gene: FASN (fatty acid synthase; minus strand). Cytogenetic location: 17q25.3.
Variant type: single nucleotide variant.
Coding change: c.1855G>A on transcript NM_004104.5 (MANE Select); coding-DNA position 1855, G replaced by A.
Protein change: p.Ala619Thr; replaces alanine 619 with threonine.
Molecular consequence: missense variant.
Genome position (GRCh38, 1-based): chr17:82,090,390, C>T on the plus strand (G>A on the coding strand, the complement: FASN is on the minus strand). VCF-style: chr17-82090390-C-T. GRCh37 (hg19) VCF-style: chr17-80048266-C-T.
Other names: short protein forms A619T.
Identifiers: ClinVar variation 1009236 (VCV001009236.8), dbSNP rs760364227, ClinGen allele CA8853010.

ClinVar aggregate classification (germline): Uncertain significance (1 of 4 stars; one submission).

Conditions:
Epileptic encephalopathy. Identifiers: MedGen C0543888, HP:0200134.

Allele frequency attached by ClinVar (database versions not stated): gnomAD exomes 0.00002; ExAC 0.00003.
gnomAD v4.1: 5 of 1,590,732 alleles (0.00031%); highest among the groups gnomAD compares: South Asian, 0.0011%; no homozygotes.

Submission:

Labcorp Genetics (formerly Invitae), Labcorp
Classification: Uncertain significance for Epileptic encephalopathy. Last evaluated: 2020-10-16. Review status: criteria provided, single submitter. Criteria: Invitae Variant Classification Sherloc (09022015). Collection method: clinical testing. Allele origin: germline.
Comment: Algorithms developed to predict the effect of missense changes on protein structure and function output the following: SIFT: "Tolerated"; PolyPhen-2: "Benign"; Align-GVGD: "Class C0". The threonine amino acid residue is found in multiple mammalian species, suggesting that this missense change does not adversely affect protein function. These predictions have not been confirmed by published functional studies and their clinical significance is uncertain. This variant has not been reported in the literature in individuals with FASN-related conditions. This variant is present in population databases (rs760364227, ExAC 0.005%). This sequence change replaces alanine with threonine at codon 619 of the FASN protein (p.Ala619Thr). The alanine residue is weakly conserved and there is a small physicochemical difference between alanine and threonine. In summary, the available evidence is currently insufficient to determine the role of this variant in disease. Therefore, it has been classified as a Variant of Uncertain Significance.